The following is an entry in ClinVar:

NM_032108.4(SEMA6B):c.946G>A (p.Gly316Ser)

Gene: SEMA6B (semaphorin 6B; minus strand). Cytogenetic location: 19p13.3.
Variant type: single nucleotide variant.
Coding change: c.946G>A on transcript NM_032108.4 (MANE Select); coding-DNA position 946, G replaced by A.
Protein change: p.Gly316Ser; replaces glycine 316 with serine.
Molecular consequence: missense variant.
Genome position (GRCh38, 1-based): chr19:4,552,465, C>T on the plus strand (G>A on the coding strand, the complement: SEMA6B is on the minus strand). VCF-style: chr19-4552465-C-T. GRCh37 (hg19) VCF-style: chr19-4552477-C-T.
Other names: short protein forms G316S.
Identifiers: ClinVar variation 2293536 (VCV002293536.26), dbSNP rs148807791, ClinGen allele CA9102683.

ClinVar aggregate classification (germline): Likely benign. Review status: criteria provided, multiple submitters, no conflicts (2 of 4 stars). 2 submissions from 2 submitters: Likely benign (2). Last evaluated 2022-11-01.

Conditions:
Inborn genetic diseases. Identifiers: MedGen C0950123, MeSH D030342.

Allele frequency attached by ClinVar (database versions not stated): ESP Exome Variant Server 0.00008; ExAC 0.00012; gnomAD 0.00013; 1000 Genomes Project 30x 0.00016; 1000 Genomes Project 0.00020.
gnomAD v4.1: 129 of 1,607,488 alleles (0.008%); highest among the groups gnomAD compares: Admixed American, 0.017%; no homozygotes.

Submissions (2):

CeGaT Center for Human Genetics Tuebingen
Classification: Likely benign. Last evaluated: 2022-11-01. Review status: criteria provided, single submitter. Criteria: CeGaT Center For Human Genetics Tuebingen Variant Classification Criteria Version 2. Collection method: clinical testing. Allele origin: germline. Affected: yes. Observed: 1 variant allele.
Comment: SEMA6B: BS1

Ambry Genetics
Classification: Likely benign for Inborn genetic diseases. Last evaluated: 2022-02-22. Review status: criteria provided, single submitter. Criteria: Ambry Variant Classification Scheme 2023. Collection method: clinical testing. Allele origin: germline.